The following is an entry in ClinVar:

NM_022124.6(CDH23):c.4873G>A (p.Val1625Met)

Gene: CDH23 (cadherin related 23; plus strand). Cytogenetic location: 10q22.1.
Variant type: single nucleotide variant.
Coding change: c.4873G>A on transcript NM_022124.6 (MANE Select); coding-DNA position 4873, G replaced by A.
Protein change: p.Val1625Met; replaces valine 1625 with methionine.
Molecular consequence: missense variant.
Genome position (GRCh38, 1-based): chr10:71,777,707, G>A. VCF-style: chr10-71777707-G-A. GRCh37 (hg19) VCF-style: chr10-73537464-G-A.
Other names: short protein forms V1625M.
Identifiers: ClinVar variation 1000380 (VCV001000380.7), dbSNP rs1180197801, ClinGen allele CA377139970.

ClinVar aggregate classification (germline): Uncertain significance. Review status: criteria provided, single submitter (1 of 4 stars). 2 submissions from 2 submitters: Uncertain significance (1). 1 of the submissions does not count toward it. Last evaluated 2021-08-31.

Conditions:
Usher syndrome type 1 (USH1). Also called: RETINITIS PIGMENTOSA AND CONGENITAL DEAFNESS. Identifiers: Orphanet 231169, Orphanet 886, MedGen C1568247, MONDO:0010168, OMIM 276900.

Allele frequency attached by ClinVar (database versions not stated): gnomAD exomes 0.00001.
gnomAD v4.1: 2 of 1,613,058 alleles (0.00012%); highest among the groups gnomAD compares: East Asian, 0.0045%; no homozygotes.

Submissions (2):

Labcorp Genetics (formerly Invitae), Labcorp
Classification: Uncertain significance. Last evaluated: 2021-08-31. Review status: criteria provided, single submitter. Criteria: Invitae Variant Classification Sherloc (09022015). Collection method: clinical testing. Allele origin: germline.
Comment: This sequence change replaces valine with methionine at codon 1625 of the CDH23 protein (p.Val1625Met). The valine residue is highly conserved and there is a small physicochemical difference between valine and methionine. This variant is not present in population databases (ExAC no frequency). This variant has not been reported in the literature in individuals affected with CDH23-related conditions. Algorithms developed to predict the effect of missense changes on protein structure and function output the following: SIFT: "Deleterious"; PolyPhen-2: "Not Available"; Align-GVGD: "Class C0". The methionine amino acid residue is found in multiple mammalian species, which suggests that this missense change does not adversely affect protein function. In summary, the available evidence is currently insufficient to determine the role of this variant in disease. Therefore, it has been classified as a Variant of Uncertain Significance.

Natera, Inc.
Classification: Uncertain significance for Usher syndrome type 1. Last evaluated: 2021-06-28. Review status: no assertion criteria provided. Collection method: clinical testing. Allele origin: germline. Not counted in ClinVar's aggregate classification.